The following is an entry in ClinVar:

ClinVar aggregate classification (germline): Likely benign. Review status: criteria provided, multiple submitters, no conflicts (2 of 4 stars). 3 submissions from 3 submitters: Likely benign (3). Last evaluated 2025-12-14.

Conditions:
Hereditary nonpolyposis colorectal neoplasms. Identifiers: MedGen C0009405, MeSH D003123.
Lynch syndrome. Identifiers: Orphanet 144, MedGen C4552100, MONDO:0005835. Disease mechanism: loss of function.
Hereditary cancer-predisposing syndrome. Also called: Hereditary neoplastic syndrome; Tumor predisposition; Hereditary Cancer Syndrome; Neoplastic Syndromes, Hereditary. Identifiers: Orphanet 140162, MedGen C0027672, MeSH D009386, MONDO:0015356.

Allele frequency attached by ClinVar (database versions not stated): TOPMed 0.00001; gnomAD 0.00003.
gnomAD v4.1: 14 of 1,614,044 alleles (0.00087%); highest among the groups gnomAD compares: Non-Finnish European, 0.0012%; no homozygotes.

Submissions (3):

Labcorp Genetics (formerly Invitae), Labcorp
Classification: Likely benign for Hereditary nonpolyposis colorectal neoplasms. Last evaluated: 2025-12-14. Review status: criteria provided, single submitter. Criteria: Invitae Variant Classification Sherloc (09022015). Collection method: clinical testing. Allele origin: germline.

All of Us Research Program, National Institutes of Health
Classification: Likely benign for Lynch syndrome. Last evaluated: 2023-12-01. Review status: criteria provided, single submitter. Criteria: ACMG Guidelines, 2015. Collection method: clinical testing. Allele origin: germline. Inheritance: Autosomal dominant inheritance. Observed: 2 variant alleles, 2 heterozygotes.
Comment: This study involves interpretation of variants in research participants for the purpose of population health screening. Participant phenotype was not available at the time of variant classification. Additional details can be found in publication PMID: 35346344, PMCID: PMC8962531

Color Diagnostics, LLC DBA Color Health
Classification: Likely benign for Hereditary cancer-predisposing syndrome. Last evaluated: 2017-08-26. Review status: criteria provided, single submitter. Criteria: ACMG Guidelines, 2015. Collection method: clinical testing. Allele origin: germline.

NM_000179.3(MSH6):c.3173-12C>G

Gene: MSH6 (mutS homolog 6; plus strand). Cytogenetic location: 2p16.3.
Variant type: single nucleotide variant.
Coding change: c.3173-12C>G on transcript NM_000179.3 (MANE Select); 12 bases into the intron before coding-DNA position 3173, C replaced by G.
Molecular consequence: intron variant.
Genome position (GRCh38, 1-based): chr2:47,803,408, C>G. VCF-style: chr2-47803408-C-G. GRCh37 (hg19) VCF-style: chr2-48030547-C-G.
Other names: c.2267-12C>G (NM_001281493.2, NM_001281494.2); c.2783-12C>G (NM_001281492.2).
Identifiers: ClinVar variation 491928 (VCV000491928.12), dbSNP rs1057517629, ClinGen allele CA532705481.